The following is an entry in ClinVar:

ClinVar aggregate classification (germline): Uncertain significance. Review status: criteria provided, multiple submitters, no conflicts (2 of 4 stars). 2 submissions from 2 submitters: Uncertain significance (2). Last evaluated 2025-05-27.

Conditions:
Hereditary cancer-predisposing syndrome. Also called: Tumor predisposition; Neoplastic Syndromes, Hereditary; Hereditary Cancer Syndrome; Hereditary neoplastic syndrome. Identifiers: Orphanet 140162, MedGen C0027672, MeSH D009386, MONDO:0015356.
Gorlin syndrome. Also called: Nevoid Basal Cell Carcinoma Syndrome; Basal cell nevus syndrome. Identifiers: Orphanet 377, MedGen C0004779, MONDO:0007187.

Allele frequency attached by ClinVar (database versions not stated): gnomAD exomes below 0.00001.
gnomAD v4.1: 1 of 1,614,200 alleles (0.000062%); highest among the groups gnomAD compares: Non-Finnish European, 0.000085%; no homozygotes.

Submissions (2):

Labcorp Genetics (formerly Invitae), Labcorp
Classification: Uncertain significance for Gorlin syndrome. Last evaluated: 2025-05-27. Review status: criteria provided, single submitter. Criteria: Invitae Variant Classification Sherloc (09022015). Collection method: clinical testing. Allele origin: germline.
Comment: This sequence change replaces serine, which is neutral and polar, with asparagine, which is neutral and polar, at codon 438 of the PTCH1 protein (p.Ser438Asn). This variant is not present in population databases (gnomAD no frequency). This variant has not been reported in the literature in individuals affected with PTCH1-related conditions. ClinVar contains an entry for this variant (Variation ID: 1769723). Invitae Evidence Modeling of protein sequence and biophysical properties (such as structural, functional, and spatial information, amino acid conservation, physicochemical variation, residue mobility, and thermodynamic stability) indicates that this missense variant is not expected to disrupt PTCH1 protein function with a negative predictive value of 95%. In summary, the available evidence is currently insufficient to determine the role of this variant in disease. Therefore, it has been classified as a Variant of Uncertain Significance.

Ambry Genetics
Classification: Uncertain significance for Hereditary cancer-predisposing syndrome. Last evaluated: 2020-03-05. Review status: criteria provided, single submitter. Criteria: Ambry Variant Classification Scheme 2023. Collection method: clinical testing. Allele origin: germline.
Comment: The p.S438N variant (also known as c.1313G>A), located in coding exon 9 of the PTCH1 gene, results from a G to A substitution at nucleotide position 1313. The serine at codon 438 is replaced by asparagine, an amino acid with highly similar properties. This amino acid position is highly conserved in available vertebrate species. In addition, the in silico prediction for this alteration is inconclusive. Since supporting evidence is limited at this time, the clinical significance of this alteration remains unclear.

NM_000264.5(PTCH1):c.1313G>A (p.Ser438Asn)

Gene: PTCH1 (patched 1; minus strand). Cytogenetic location: 9q22.32.
Variant type: single nucleotide variant.
Coding change: c.1313G>A on transcript NM_000264.5 (MANE Select); coding-DNA position 1313, G replaced by A.
Protein change: p.Ser438Asn; replaces serine 438 with asparagine.
Molecular consequence: missense variant. On other transcripts: non-coding transcript variant (1).
Genome position (GRCh38, 1-based): chr9:95,478,089, C>T on the plus strand (G>A on the coding strand, the complement: PTCH1 is on the minus strand). VCF-style: chr9-95478089-C-T. GRCh37 (hg19) VCF-style: chr9-98240371-C-T.
Other names: c.1115G>A, p.Ser372Asn (NM_001083602.3); c.1310G>A, p.Ser437Asn (NM_001083603.3); c.860G>A, p.Ser287Asn (NM_001083604.3, NM_001083605.3, NM_001083606.3 and 1 more transcripts); c.1313G>A, p.Ser438Asn (NM_001354918.2); short protein forms S287N, S437N, S438N, S372N.
Identifiers: ClinVar variation 1769723 (VCV001769723.4), dbSNP rs2118331448, ClinGen allele CA374118768.